The following is an entry in ClinVar:

ClinVar aggregate classification (germline): Pathogenic. Review status: criteria provided, single submitter (1 of 4 stars). 2 submissions from 2 submitters: Pathogenic (1). 1 of the submissions does not count toward it. Last evaluated 2024-06-29.

Conditions:
Familial multiple nevi flammei. Also called: PORT-WINE STAIN; CAPILLARY MALFORMATIONS, CONGENITAL, 1, SOMATIC, MOSAIC. Identifiers: Orphanet 624, MedGen C2931029, MONDO:0008094, OMIM 163000.

Submissions (2):

Clinical Genomics Laboratory, Washington University in St. Louis
Classification: Pathogenic for Familial multiple nevi flammei. Last evaluated: 2024-06-29. Review status: criteria provided, single submitter. Criteria: Leon-Quintero et al. (Clin Genet. 2025). Collection method: clinical testing. Allele origin: somatic. Affected: yes.
Comment: A GNAQ c.547C>G (p.Arg183Gly) variant was identified at an allelic fraction consistent with somatic origin. This variant has been reported in multiple individuals affected with vascular malformations, including port-wine stains (Frigerio A et al., PMID: 26192947; Langbroek GB et al., PMID: 38013159; Cai R et al., PMID: 30597540; Zhang B et al., PMID: 37658401; Couto JA et al., PMID: 26368330; Jordan M et al., PMID: 31726051; Klebanov N et al., PMID: 30601876; Liau JY et al., PMID: 31189994) and in five cases in the cancer database COSMIC (Genomic Mutation ID: COSV99680195). This variant has been reported in the ClinVar database as a pathogenic somatic variant by one submitter (ClinVar ID: 2664271). This variant is absent from the general population (gnomAD v4.1.0), indicating it is not a common variant. It resides within the GTP-binding site of the G2 motif, which is defined as a critical functional domain (Nakashima M et al., PMID: 25374402). Other variants in the same codon, p.Arg183Cys, p.Arg183Gln, and p.Arg183Leu, have been reported in affected individuals and are considered pathogenic (Hammill AM et aL., PMID: 38618955; Langbroek GB et al., PMID: 38013159; ClinVar Variation IDs: 50853, 1285390). Computational predictors indicate that the GNAQ c.547C>G (p.Arg183Gly) variant is damaging, evidence that correlates with impact on GNAQ function. In support of this prediction, a functional study using patient-derived endothelial cells has shown increased angiogenic sprouting potentials for the endothelial cells carrying the GNAQ c.547C>G (p.Arg183Gly) variant (Langbroek GB et al., PMID: 38013159). Based on available information and an internally developed protocol informed by the ACMG/AMP guidelines for variant interpretation and gene-specific practices from the ClinGen Criteria Specification Registry (Leon-Quintero FZ et al., PMID: 39434542), the GNAQ c.547C>G (p.Arg183Gly) variant is classified as pathogenic.

Seattle Children's Hospital Molecular Genetics Laboratory, Seattle Children's Hospital
Classification: Pathogenic for Familial multiple nevi flammei. Review status: no assertion criteria provided. Collection method: clinical testing. Allele origin: somatic. Affected: yes. Not counted in ClinVar's aggregate classification.

NM_002072.5(GNAQ):c.547C>G (p.Arg183Gly)

Gene: GNAQ (G protein subunit alpha q; minus strand). Cytogenetic location: 9q21.2.
Variant type: single nucleotide variant.
Coding change: c.547C>G on transcript NM_002072.5 (MANE Select); coding-DNA position 547, C replaced by G.
Protein change: p.Arg183Gly; replaces arginine 183 with glycine.
Molecular consequence: missense variant.
Genome position (GRCh38, 1-based): chr9:77,797,578, G>C on the plus strand (C>G on the coding strand, the complement: GNAQ is on the minus strand). VCF-style: chr9-77797578-G-C. GRCh37 (hg19) VCF-style: chr9-80412494-G-C.
Other names: short protein forms R183G.
Identifiers: ClinVar variation 2664271 (VCV002664271.2), dbSNP rs1826677470, ClinGen allele CA373998076.
Genomic context (GRCh38, chr9:77,797,578, plus strand): 5'-ACCTGAAAATGACACTTTGTAAGTCAAAGGGGTATTCGATGATCCCTGTGGTGGGGACTC[G>C]AACTCTAAGCACATCTTGTTGCGTAGGCAGGTAGGCAGGGTCAGCTACGCGGTCCAAGTC-3'
Protein context (NP_002063.2, residues 173-193): LPTQQDVLRV[Arg183Gly]VPTTGIIEYP